The following is an entry in ClinVar:

NM_001286611.2(REPS1):c.1678T>C (p.Ser560Pro)

Gene: REPS1 (RALBP1 associated Eps domain containing 1; minus strand). Cytogenetic location: 6q24.1.
Variant type: single nucleotide variant.
Coding change: c.1678T>C on transcript NM_001286611.2 (MANE Select); coding-DNA position 1678, T replaced by C.
Protein change: p.Ser560Pro; replaces serine 560 with proline.
Molecular consequence: missense variant. On other transcripts: intron variant (1).
Genome position (GRCh38, 1-based): chr6:138,915,900, A>G on the plus strand (T>C on the coding strand, the complement: REPS1 is on the minus strand). VCF-style: chr6-138915900-A-G. GRCh37 (hg19) VCF-style: chr6-139237037-A-G.
Other names: c.1675T>C (NM_031922.3); c.1597T>C, p.Ser533Pro (NM_001128617.3); c.1675T>C, p.Ser559Pro (NM_031922.5); c.1448-1139T>C (NM_001286612.2); short protein forms S533P, S560P, S559P.
Identifiers: ClinVar variation 3711562 (VCV003711562.3).

ClinVar aggregate classification (germline): Uncertain significance. Review status: criteria provided, multiple submitters, no conflicts (2 of 4 stars). 2 submissions from 2 submitters: Uncertain significance (2). Last evaluated 2025-05-13.

gnomAD v4.1: 9 of 1,613,902 alleles (0.00056%); highest among the groups gnomAD compares: Admixed American, 0.0083%; no homozygotes.

Submissions (2):

Ambry Genetics
Classification: Uncertain significance. Last evaluated: 2025-05-13. Review status: criteria provided, single submitter. Criteria: Ambry Variant Classification Scheme 2023. Collection method: clinical testing. Allele origin: germline.

Labcorp Genetics (formerly Invitae), Labcorp
Classification: Uncertain significance. Last evaluated: 2024-08-20. Review status: criteria provided, single submitter. Criteria: Invitae Variant Classification Sherloc (09022015). Collection method: clinical testing. Allele origin: germline.
Comment: This sequence change replaces serine, which is neutral and polar, with proline, which is neutral and non-polar, at codon 560 of the REPS1 protein (p.Ser560Pro). This variant is not present in population databases (gnomAD no frequency). This variant has not been reported in the literature in individuals affected with REPS1-related conditions. Invitae Evidence Modeling of protein sequence and biophysical properties (such as structural, functional, and spatial information, amino acid conservation, physicochemical variation, residue mobility, and thermodynamic stability) indicates that this missense variant is expected to disrupt REPS1 protein function with a positive predictive value of 80%. In summary, the available evidence is currently insufficient to determine the role of this variant in disease. Therefore, it has been classified as a Variant of Uncertain Significance.